The following is an entry in ClinVar:

NM_032888.4(COL27A1):c.4891_4909del (p.Ala1631fs)

Gene: COL27A1 (collagen type XXVII alpha 1 chain; plus strand). Cytogenetic location: 9q32.
Variant type: Deletion.
Coding change: c.4891_4909del on transcript NM_032888.4 (MANE Select); coding-DNA positions 4891 to 4909, 19 bases deleted (GCAGCTTTCCAGACGTGGA).
Protein change: p.Ala1631fs; shifts the reading frame from alanine 1631.
Molecular consequence: frameshift variant.
Genome position (GRCh38, 1-based): chr9:114,304,626-114,304,644, GCAGCTTTCCAGACGTGGA deleted. VCF-style (leftmost placement, unchanged base first): chr9-114304625-GGCAGCTTTCCAGACGTGGA-G. GRCh37 (hg19) VCF-style: chr9-117066905-GGCAGCTTTCCAGACGTGGA-G.
Other names: short protein forms A1631fs.
Identifiers: ClinVar variation 2819794 (VCV002819794.3), dbSNP rs2490381940, ClinGen allele CA2739264985.

ClinVar aggregate classification (germline): Pathogenic (1 of 4 stars; one submission).

Submission:

Labcorp Genetics (formerly Invitae), Labcorp
Classification: Pathogenic. Last evaluated: 2022-12-18. Review status: criteria provided, single submitter. Criteria: Invitae Variant Classification Sherloc (09022015). Collection method: clinical testing. Allele origin: germline.
Comment: For these reasons, this variant has been classified as Pathogenic. Algorithms developed to predict the effect of sequence changes on RNA splicing suggest that this variant may disrupt the consensus splice site. This variant has not been reported in the literature in individuals affected with COL27A1-related conditions. This variant is not present in population databases (gnomAD no frequency). This sequence change creates a premature translational stop signal (p.Ala1631Trpfs*113) in the COL27A1 gene. It is expected to result in an absent or disrupted protein product. Loss-of-function variants in COL27A1 are known to be pathogenic (PMID: 24986830, 28276056).

Literature cited by the submitters: PubMed 24986830; PubMed 28276056.